The following is an entry in ClinVar:

ClinVar aggregate classification (germline): Pathogenic/Likely pathogenic. Review status: criteria provided, multiple submitters, no conflicts (2 of 4 stars). 6 submissions from 6 submitters: Pathogenic (2); Likely pathogenic (2). 2 of the submissions do not count toward it. Last evaluated 2025-08-02.

Conditions:
Deficiency of butyryl-CoA dehydrogenase (ACADSD). Also called: Short-Chain Acyl-CoA Dehydrogenase Deficiency; ACYL-CoA DEHYDROGENASE, SHORT-CHAIN, DEFICIENCY OF; SCADH DEFICIENCY; SCAD Deficiency; SCAD DEFICIENCY, MILD; ACADS DEFICIENCY. Identifiers: Orphanet 26792, MedGen C0342783, MONDO:0008722, OMIM 201470. Disease mechanism: May be benign.

Allele frequency attached by ClinVar (database versions not stated): gnomAD 0.00009; TOPMed 0.00012; 1000 Genomes Project 30x 0.00016; 1000 Genomes Project 0.00020.

Submissions (6):

Labcorp Genetics (formerly Invitae), Labcorp
Classification: Pathogenic for Deficiency of butyryl-CoA dehydrogenase. Last evaluated: 2025-08-02. Review status: criteria provided, single submitter. Criteria: Invitae Variant Classification Sherloc (09022015). Collection method: clinical testing. Allele origin: germline.
Comment: This sequence change replaces arginine, which is basic and polar, with histidine, which is basic and polar, at codon 330 of the ACADS protein (p.Arg330His). This variant is present in population databases (rs199633532, gnomAD 0.02%). This missense change has been observed in individuals with short-chain acyl-coenzyme A dehydrogenase deficiency (PMID: 16926354, 26274329; internal data). ClinVar contains an entry for this variant (Variation ID: 557389). Invitae Evidence Modeling of protein sequence and biophysical properties (such as structural, functional, and spatial information, amino acid conservation, physicochemical variation, residue mobility, and thermodynamic stability) has been performed for this missense variant. However, the output from this modeling did not meet the statistical confidence thresholds required to predict the impact of this variant on ACADS protein function. This variant disrupts the p.Arg330 amino acid residue in ACADS. Other variant(s) that disrupt this residue have been determined to be pathogenic (PMID: 16926354, 18676165; internal data). This suggests that this residue is clinically significant, and that variants that disrupt this residue are likely to be disease-causing. For these reasons, this variant has been classified as Pathogenic.

CeGaT Center for Human Genetics Tuebingen
Classification: Likely pathogenic. Last evaluated: 2025-08-01. Review status: criteria provided, single submitter. Criteria: CeGaT Center For Human Genetics Tuebingen Variant Classification Criteria Version 2. Collection method: clinical testing. Allele origin: germline. Affected: yes. Observed: 1 variant allele.
Comment: ACADS: PM1, PM2, PM5, PM3:Supporting

Laboratory of Medical Genetics, National & Kapodistrian University of Athens
Classification: Pathogenic for Deficiency of butyryl-CoA dehydrogenase. Last evaluated: 2024-02-01. Review status: criteria provided, single submitter. Criteria: ACMG Guidelines, 2015. Collection method: curation. Allele origin: germline. Affected: no.

Juno Genomics, Hangzhou Juno Genomics, Inc
Classification: Likely pathogenic for Deficiency of butyryl-CoA dehydrogenase. Review status: criteria provided, single submitter. Criteria: ACMG Guidelines, 2015. Collection method: clinical testing. Allele origin: germline. Affected: yes.
Comment: Absent from controls (or at extremely low frequency if recessive) in Genome Aggregation Database, Exome Sequencing Project, 1000 Genomes Project, or Exome Aggregation Consortium.;Multiple lines of computational evidence support a deleterious effect on the gene or gene product (conservation, evolutionary, splicing impact, etc).;For recessive disorders, detected in trans with a pathogenic variant.;Patient's phenotype or family history is highly specific for a disease with a single genetic etiology.

Counsyl
Classification: Uncertain significance for Deficiency of butyryl-CoA dehydrogenase. Last evaluated: 2018-03-23. Review status: no assertion criteria provided. Collection method: clinical testing. Allele origin: unknown. Not counted in ClinVar's aggregate classification.

Neonatal Disease Screening Center, Medical Genetics Center, Huaihua City Maternal and Child Health Care Hospital
Classification: Pathogenic for Deficiency of butyryl-CoA dehydrogenase. Review status: no assertion criteria provided. Criteria: ACMG Guidelines, 2015. Collection method: clinical testing. Allele origin: germline. Affected: yes. Observed: 1 variant allele. Not counted in ClinVar's aggregate classification.
Comment: PM2_P+PM3_VS+PP1+PP3+PP4

Literature cited by the submitters: PubMed 16926354 (cited by Labcorp Genetics (formerly Invitae), Labcorp and Counsyl); PubMed 26274329 (cited by Labcorp Genetics (formerly Invitae), Labcorp and Counsyl); PubMed 18676165 (cited by Labcorp Genetics (formerly Invitae), Labcorp).

NM_000017.4(ACADS):c.989G>A (p.Arg330His)

Gene: ACADS (acyl-CoA dehydrogenase short chain; plus strand). Cytogenetic location: 12q24.31.
Variant type: single nucleotide variant.
Coding change: c.989G>A on transcript NM_000017.4 (MANE Select); coding-DNA position 989, G replaced by A.
Protein change: p.Arg330His; replaces arginine 330 with histidine.
Molecular consequence: missense variant.
Genome position (GRCh38, 1-based): chr12:120,738,875, G>A. VCF-style: chr12-120738875-G-A. GRCh37 (hg19) VCF-style: chr12-121176678-G-A.
Other names: c.977G>A, p.Arg326His (NM_001302554.2); short protein forms R330H, R326H.
Identifiers: ClinVar variation 557389 (VCV000557389.21), dbSNP rs199633532, ClinGen allele CA6831153.
Genomic context (GRCh38, chr12:120,738,875, plus strand): 5'-TGCAGTTCAAGTTGGCAGACATGGCCCTGGCCCTGGAGAGTGCCCGGCTGCTGACCTGGC[G>A]CGCTGCCATGCTGAAGGATAACAAGAAGCCTTTCATCAAGGTGCCCACAGGGGTCCCCGA-3'
Protein context (NP_000008.1, residues 320-340): ALESARLLTW[Arg330His]AAMLKDNKKP